The following is an entry in ClinVar:

NM_001267550.2(TTN):c.22454A>C (p.His7485Pro)

Gene: TTN (titin; minus strand). Cytogenetic location: 2q31.2.
Variant type: single nucleotide variant.
Coding change: c.22454A>C on transcript NM_001267550.2 (MANE Select); coding-DNA position 22454, A replaced by C.
Protein change: p.His7485Pro; replaces histidine 7485 with proline.
Molecular consequence: missense variant. On other transcripts: intron variant (3).
Genome position (GRCh38, 1-based): chr2:178,722,333, T>G on the plus strand (A>C on the coding strand, the complement: TTN is on the minus strand). VCF-style: chr2-178722333-T-G. GRCh37 (hg19) VCF-style: chr2-179587060-T-G.
Other names: c.21503A>C, p.His7168Pro (NM_001256850.1); c.18722A>C, p.His6241Pro (NM_133378.4); c.13282+15749A>C (NM_003319.4); c.13858+15749A>C (NM_133437.4); c.13657+15749A>C (NM_133432.3); short protein forms H6241P, H7168P, H7485P.
Identifiers: ClinVar variation 4820349 (VCV004820349.1).
Genomic context (GRCh38, chr2:178,722,333, plus strand): 5'-CTAGCACTAGAAGATGCTGTTCCAAGTGGGTTGGAAGCTGAGCAAGAGTACTGGCCAGAG[T>G]GACTCAAGTCAGTTTGCAAAATTTTTAAAGTTGCCACATTATCTACAAATGAAGTCTGTA-3'
Protein context (NP_001254479.2, residues 7475-7495): TLKILQTDLS[His7485Pro]SGQYSCSASN

ClinVar aggregate classification (germline): Likely benign (1 of 4 stars; one submission).

Submission:

Molecular Diagnostic Laboratory for Inherited Cardiovascular Disease, Montreal Heart Institute
Classification: Likely benign. Last evaluated: 2026-03-27. Review status: criteria provided, single submitter. Criteria: ACMG Guidelines, 2015. Collection method: clinical testing. Allele origin: germline. Affected: no.
Comment: BP1